The following is an entry in ClinVar:

ClinVar aggregate classification (germline): Uncertain significance. Review status: criteria provided, multiple submitters, no conflicts (2 of 4 stars). 2 submissions from 2 submitters: Uncertain significance (2). Last evaluated 2025-06-04.

Conditions:
Cardiovascular phenotype. Identifiers: MedGen CN230736.
Autosomal recessive limb-girdle muscular dystrophy type 2J (LGMDR10). Also called: Limb-girdle muscular dystrophy, type 2J; MUSCULAR DYSTROPHY, LIMB-GIRDLE, AUTOSOMAL RECESSIVE 10. Identifiers: Orphanet 140922, MedGen C1837342, MONDO:0012127, OMIM 608807.
Dilated cardiomyopathy 1G (CMD1G). Identifiers: Orphanet 154, MedGen C1858763, MONDO:0011400, OMIM 604145.

Allele frequency attached by ClinVar (database versions not stated): gnomAD exomes below 0.00001.
gnomAD v4.1: 1 of 1,613,190 alleles (0.000062%); highest among the groups gnomAD compares: Admixed American, 0.0017%; no homozygotes.

Submissions (2):

Labcorp Genetics (formerly Invitae), Labcorp
Classification: Uncertain significance for Dilated cardiomyopathy 1G; Autosomal recessive limb-girdle muscular dystrophy type 2J. Last evaluated: 2025-06-04. Review status: criteria provided, single submitter. Criteria: Invitae Variant Classification Sherloc (09022015). Collection method: clinical testing. Allele origin: germline.
Comment: This sequence change replaces glutamine, which is neutral and polar, with arginine, which is basic and polar, at codon 35813 of the TTN protein (p.Gln35813Arg). This variant is not present in population databases (gnomAD no frequency). This variant has not been reported in the literature in individuals affected with TTN-related conditions. ClinVar contains an entry for this variant (Variation ID: 1761708). Experimental studies and prediction algorithms are not available or were not evaluated, and the functional significance of this variant is currently unknown. This variant is located in the M band of TTN (PMID: 25589632). Non-truncating variants in this region may be relevant for neuromuscular disorders, but have not been definitively shown to cause cardiomyopathy (PMID: 23975875). In summary, the available evidence is currently insufficient to determine the role of this variant in disease. Therefore, it has been classified as a Variant of Uncertain Significance.

Ambry Genetics
Classification: Uncertain significance for Cardiovascular phenotype. Last evaluated: 2018-10-30. Review status: criteria provided, single submitter. Criteria: Ambry Variant Classification Scheme 2023. Collection method: clinical testing. Allele origin: germline.
Comment: The p.Q26748R variant (also known as c.80243A>G), located in coding exon 189 of the TTN gene, results from an A to G substitution at nucleotide position 80243. The glutamine at codon 26748 is replaced by arginine, an amino acid with highly similar properties. This amino acid position is well conserved in available vertebrate species. In addition, this alteration is predicted to be tolerated by in silico analysis. Since supporting evidence is limited at this time, the clinical significance of this alteration remains unclear.

Literature cited by the submitters: PubMed 25589632 (cited by Labcorp Genetics (formerly Invitae), Labcorp); PubMed 23975875 (cited by Labcorp Genetics (formerly Invitae), Labcorp).

NM_001267550.2(TTN):c.107438A>G (p.Gln35813Arg)

Genes: TTN-AS1 (TTN antisense RNA 1; plus strand), TTN (titin; minus strand). Cytogenetic location: 2q31.2.
Variant type: single nucleotide variant.
Coding change: c.107438A>G on transcript NM_001267550.2 (MANE Select); coding-DNA position 107438, A replaced by G.
Protein change: p.Gln35813Arg; replaces glutamine 35813 with arginine.
Molecular consequence: missense variant.
Genome position (GRCh38, 1-based): chr2:178,527,688, T>C on the plus strand (A>G on the coding strand, the complement: TTN is on the minus strand). VCF-style: chr2-178527688-T-C. GRCh37 (hg19) VCF-style: chr2-179392415-T-C.
Other names: c.102515A>G, p.Gln34172Arg (NM_001256850.1); c.80243A>G, p.Gln26748Arg (NM_003319.4); c.99734A>G, p.Gln33245Arg (NM_133378.4); c.80618A>G, p.Gln26873Arg (NM_133432.3); c.80819A>G, p.Gln26940Arg (NM_133437.4); short protein forms Q26940R, Q35813R, Q26873R, Q34172R, Q33245R, Q26748R.
Identifiers: ClinVar variation 1761708 (VCV001761708.3), dbSNP rs2468251807, ClinGen allele CA349400951.
Genomic context (GRCh38, chr2:178,527,688, plus strand): 5'-CTGAAGGAGGCCTCCTGCTTGGAGGCAGACATTTGGACTGACTGAGACGAGAAGCTTCCT[T>C]GCAAGCTTGTGTCACCACTTGTTCTCAATACTACCTCTCTGGAAGGTTCTTCAACTAGAG-3'
Protein context (NP_001254479.2, residues 35803-35823): VLRTSGDTSL[Gln35813Arg]GSFSSQSVQM